The following is an entry in ClinVar:

ClinVar aggregate classification (germline): Uncertain significance (1 of 4 stars; one submission).

Conditions:
Hyperphosphatasia with impaired intellectual development syndrome 2. Also called: Hyperphosphatasia with intellectual disability syndrome 2; GLYCOSYLPHOSPHATIDYLINOSITOL BIOSYNTHESIS DEFECT 6. Identifiers: Orphanet 247262, MedGen C3553637, MONDO:0013882, OMIM 614749.

Submission:

Labcorp Genetics (formerly Invitae), Labcorp
Classification: Uncertain significance for Hyperphosphatasia with impaired intellectual development syndrome 2. Last evaluated: 2021-06-04. Review status: criteria provided, single submitter. Criteria: Invitae Variant Classification Sherloc (09022015). Collection method: clinical testing. Allele origin: germline.
Comment: This sequence change replaces glutamine with histidine at codon 84 of the PIGO protein (p.Gln84His). The glutamine residue is moderately conserved and there is a small physicochemical difference between glutamine and histidine. This variant is not present in population databases (ExAC no frequency). This variant has not been reported in the literature in individuals with PIGO-related conditions. Algorithms developed to predict the effect of missense changes on protein structure and function output the following: SIFT: "Tolerated"; PolyPhen-2: "Benign"; Align-GVGD: "Class C0". The histidine amino acid residue is found in multiple mammalian species, suggesting that this missense change does not adversely affect protein function. These predictions have not been confirmed by published functional studies and their clinical significance is uncertain. In summary, the available evidence is currently insufficient to determine the role of this variant in disease. Therefore, it has been classified as a Variant of Uncertain Significance.

NM_032634.4(PIGO):c.252G>C (p.Gln84His)

Gene: PIGO (phosphatidylinositol glycan anchor biosynthesis class O; minus strand). Cytogenetic location: 9p13.3.
Variant type: single nucleotide variant.
Coding change: c.252G>C on transcript NM_032634.4 (MANE Select); coding-DNA position 252, G replaced by C.
Protein change: p.Gln84His; replaces glutamine 84 with histidine.
Molecular consequence: missense variant.
Genome position (GRCh38, 1-based): chr9:35,095,314, C>G on the plus strand (G>C on the coding strand, the complement: PIGO is on the minus strand). VCF-style: chr9-35095314-C-G. GRCh37 (hg19) VCF-style: chr9-35095311-C-G.
Other names: c.252G>C, p.Gln84His (NM_001201484.2, NM_152850.4); short protein forms Q84H.
Identifiers: ClinVar variation 1007204 (VCV001007204.8), dbSNP rs1829620198, ClinGen allele CA373324666.